The following is an entry in ClinVar:

ClinVar aggregate classification (germline): Likely benign (0 of 4 stars; one submission).

Conditions:
CRP-related disorder. Also called: CRP-related condition.

Submission:

PreventionGenetics, part of Exact Sciences
Classification: Likely benign for CRP-related condition. Last evaluated: 2024-08-20. Review status: no assertion criteria provided. Collection method: clinical testing. Allele origin: germline.
Comment: This variant is classified as likely benign based on ACMG/AMP sequence variant interpretation guidelines (Richards et al. 2015 PMID: 25741868, with internal and published modifications).

NM_000567.3(CRP):c.134C>T (p.Thr45Met)

Gene: CRP (C-reactive protein; minus strand). Cytogenetic location: 1q23.2.
Variant type: single nucleotide variant.
Coding change: c.134C>T on transcript NM_000567.3 (MANE Select); coding-DNA position 134, C replaced by T.
Protein change: p.Thr45Met; replaces threonine 45 with methionine.
Molecular consequence: missense variant.
Genome position (GRCh38, 1-based): chr1:159,714,066, G>A on the plus strand (C>T on the coding strand, the complement: CRP is on the minus strand). VCF-style: chr1-159714066-G-A. GRCh37 (hg19) VCF-style: chr1-159683856-G-A.
Other names: c.134C>T, p.Thr45Met (NM_001329057.2, NM_001329058.2, NM_001382703.1); short protein forms T45M.
Identifiers: ClinVar variation 3356915 (VCV003356915.1).